The following is an entry in ClinVar:

NM_018979.4(WNK1):c.2567C>A (p.Thr856Lys)

Gene: WNK1 (WNK lysine deficient protein kinase 1; plus strand). Cytogenetic location: 12p13.33.
Variant type: single nucleotide variant.
Coding change: c.2567C>A on transcript NM_018979.4 (MANE Select); coding-DNA position 2567, C replaced by A.
Protein change: p.Thr856Lys; replaces threonine 856 with lysine.
Molecular consequence: missense variant. On other transcripts: intron variant (3).
Genome position (GRCh38, 1-based): chr12:879,766, C>A. VCF-style: chr12-879766-C-A. GRCh37 (hg19) VCF-style: chr12-988932-C-A.
Other names: c.3867+1405C>A (NM_213655.5); c.3613-955C>A (NM_001184985.2); c.2370+1405C>A (NM_014823.3); short protein forms T856K.
Identifiers: ClinVar variation 565390 (VCV000565390.7), dbSNP rs778139234, ClinGen allele CA6382513.
Genomic context (GRCh38, chr12:879,766, plus strand): 5'-TCCCTCAGTACCCTGTCTCTCAGATTCCCATATCAACTCCTCATGTGTCTACGGCTCAGA[C>A]AGGTTTCTCATCCCTTCCCATCACAATGGCAGCTGGCATTACTCAGCCTCTGCTCACGTT-3'
Protein context (NP_061852.3, residues 846-866): ISTPHVSTAQ[Thr856Lys]GFSSLPITMA

ClinVar aggregate classification (germline): Uncertain significance. Review status: criteria provided, multiple submitters, no conflicts (2 of 4 stars). 2 submissions from 2 submitters: Uncertain significance (2). Last evaluated 2024-02-29.

Conditions:
Neuropathy, hereditary sensory and autonomic, type 2A (HSAN2A). Also called: HSAN IIA; ACROOSTEOLYSIS, GIACCAI TYPE; ACROOSTEOLYSIS, NEUROGENIC; WNK1-Related HSAN2 (HSAN2A); MORVAN DISEASE; NEUROPATHY, CONGENITAL SENSORY. Identifiers: Orphanet 970, MedGen C2752089, MONDO:0024309, OMIM 201300.
Pseudohypoaldosteronism type 2C (PHA2C). Also called: Pseudohypoaldosteronism Type IIC. Identifiers: Orphanet 757, Orphanet 88940, MedGen C1840391, MONDO:0013778, OMIM 614492.

Allele frequency attached by ClinVar (database versions not stated): gnomAD 0.00003; TOPMed 0.00003; gnomAD exomes 0.00007 and 0.00001; ExAC 0.00009.
gnomAD v4.1: 20 of 1,613,966 alleles (0.0012%); highest among the groups gnomAD compares: East Asian, 0.042%; no homozygotes.

Submissions (2):

Fulgent Genetics
Classification: Uncertain significance for Neuropathy, hereditary sensory and autonomic, type 2A; Pseudohypoaldosteronism type 2C. Last evaluated: 2024-02-29. Review status: criteria provided, single submitter. Criteria: ACMG Guidelines, 2015. Collection method: clinical testing. Allele origin: germline.

Labcorp Genetics (formerly Invitae), Labcorp
Classification: Uncertain significance for Neuropathy, hereditary sensory and autonomic, type 2A; Pseudohypoaldosteronism type 2C. Last evaluated: 2022-07-05. Review status: criteria provided, single submitter. Criteria: Invitae Variant Classification Sherloc (09022015). Collection method: clinical testing. Allele origin: germline.
Comment: Algorithms developed to predict the effect of missense changes on protein structure and function are either unavailable or do not agree on the potential impact of this missense change (SIFT: "Deleterious"; PolyPhen-2: "Possibly Damaging"; Align-GVGD: "Class C0"). In summary, the available evidence is currently insufficient to determine the role of this variant in disease. Therefore, it has been classified as a Variant of Uncertain Significance. ClinVar contains an entry for this variant (Variation ID: 565390). This variant has not been reported in the literature in individuals affected with WNK1-related conditions. This variant is present in population databases (rs778139234, gnomAD 0.09%). This sequence change replaces threonine, which is neutral and polar, with lysine, which is basic and polar, at codon 856 of the WNK1 protein (p.Thr856Lys).